The following is an entry in ClinVar:

NM_001330078.2(NRXN1):c.3488C>T (p.Ala1163Val)

Gene: NRXN1 (neurexin 1; minus strand). Cytogenetic location: 2p16.3.
Variant type: single nucleotide variant.
Coding change: c.3488C>T on transcript NM_001330078.2 (MANE Select); coding-DNA position 3488, C replaced by T.
Protein change: p.Ala1163Val; replaces alanine 1163 with valine.
Molecular consequence: missense variant.
Genome position (GRCh38, 1-based): chr2:50,236,847, G>A on the plus strand (C>T on the coding strand, the complement: NRXN1 is on the minus strand). VCF-style: chr2-50236847-G-A. GRCh37 (hg19) VCF-style: chr2-50463985-G-A.
Other names: c.3608C>T, p.Ala1203Val (NM_001135659.3); c.3464C>T, p.Ala1155Val (NM_001330077.2, NM_001330082.2); c.3422C>T, p.Ala1141Val (NM_001330083.2, NM_001330084.2); c.3461C>T, p.Ala1154Val (NM_001330085.2); c.3488C>T, p.Ala1163Val (NM_001330086.2, NM_004801.6); c.3377C>T, p.Ala1126Val (NM_001330087.2, NM_001330096.2); c.3407C>T, p.Ala1136Val (NM_001330088.2); c.383C>T, p.Ala128Val (NM_001330091.2, NM_001330092.2, NM_001330097.2 and 1 more transcripts); and 3 more; short protein forms A1154V, A1155V, A1159V, A1162V, A1163V, A128V, A1136V, A1146V.
Identifiers: ClinVar variation 2066900 (VCV002066900.4), dbSNP rs145718662, ClinGen allele CA1654453.
Genomic context (GRCh38, chr2:50,236,847, plus strand): 5'-ACTATATGCAGTTCTAGGTAGTCACCCAAGCCTGAAGAACTGTCCACTCGCACCAATACG[G>A]CTTCTTTCTGAACAGTGCTAAAACCTATGGCCAGTCTGTCTGCTCGTGTACTGGGTCGGT-3'
Protein context (NP_001317007.1, residues 1153-1173): AIGFSTVQKE[Ala1163Val]VLVRVDSSSG

ClinVar aggregate classification (germline): Uncertain significance (1 of 4 stars; one submission).

Conditions:
Pitt-Hopkins-like syndrome 2 (PTHSL2). Identifiers: Orphanet 221150, Orphanet 600663, MedGen C3280479, MONDO:0013690, OMIM 614325.

Allele frequency attached by ClinVar (database versions not stated): ExAC 0.00001; gnomAD exomes 0.00001; TOPMed 0.00001; ESP Exome Variant Server 0.00008.
gnomAD v4.1: 5 of 1,613,228 alleles (0.00031%); highest among the groups gnomAD compares: Non-Finnish European, 0.00034%; no homozygotes.

Submission:

Labcorp Genetics (formerly Invitae), Labcorp
Classification: Uncertain significance for Pitt-Hopkins-like syndrome 2. Last evaluated: 2024-08-21. Review status: criteria provided, single submitter. Criteria: Invitae Variant Classification Sherloc (09022015). Collection method: clinical testing. Allele origin: germline.
Comment: This sequence change replaces alanine, which is neutral and non-polar, with valine, which is neutral and non-polar, at codon 1203 of the NRXN1 protein (p.Ala1203Val). This variant is present in population databases (rs145718662, gnomAD 0.003%). This variant has not been reported in the literature in individuals affected with NRXN1-related conditions. ClinVar contains an entry for this variant (Variation ID: 2066900). Invitae Evidence Modeling of protein sequence and biophysical properties (such as structural, functional, and spatial information, amino acid conservation, physicochemical variation, residue mobility, and thermodynamic stability) indicates that this missense variant is not expected to disrupt NRXN1 protein function with a negative predictive value of 80%. In summary, the available evidence is currently insufficient to determine the role of this variant in disease. Therefore, it has been classified as a Variant of Uncertain Significance.